The following is an entry in ClinVar:

ClinVar aggregate classification (germline): Conflicting classifications of pathogenicity. Review status: criteria provided, conflicting classifications (1 of 4 stars). 5 submissions from 5 submitters: Uncertain significance (4); Likely benign (1). Last evaluated 2025-08-29.

Conditions:
Inborn genetic diseases. Identifiers: MedGen C0950123, MeSH D030342.
Malignant hyperthermia, susceptibility to, 5 (MHS5). Also called: CACNA1S-Related Malignant Hyperthermia Susceptibility. Identifiers: Orphanet 423, MedGen C1866077, MONDO:0011163, OMIM 601887.
Hypokalemic periodic paralysis, type 1. Also called: HypoPP; Hypokalemic Periodic Paralysis Type 1 (AD). Identifiers: Orphanet 681, MedGen C3714580, MONDO:0042979, OMIM 170400.
Congenital myopathy 18. Also called: DIHYDROPYRIDINE RECEPTOR CONGENITAL MYOPATHY; DHPR CONGENITAL MYOPATHY; Myopathy, congenital, due to dihydropyridine receptor defect. Identifiers: MedGen C5830283, MONDO:0859514, OMIM 620246.
Thyrotoxic periodic paralysis, susceptibility to, 1 (TTPP1). Identifiers: Orphanet 79102, MedGen C2749982, MONDO:0008570, OMIM 188580.

Allele frequency attached by ClinVar (database versions not stated): gnomAD 0.00001; gnomAD exomes 0.00001 and 0.00002; ExAC 0.00002; 1000 Genomes Project 30x 0.00016; 1000 Genomes Project 0.00020.
gnomAD v4.1: 17 of 1,614,164 alleles (0.0011%); highest among the groups gnomAD compares: South Asian, 0.0033%; no homozygotes.

Submissions (5):

Labcorp Genetics (formerly Invitae), Labcorp
Classification: Likely benign for Hypokalemic periodic paralysis, type 1; Malignant hyperthermia, susceptibility to, 5. Last evaluated: 2025-08-29. Review status: criteria provided, single submitter. Criteria: Invitae Variant Classification Sherloc (09022015). Collection method: clinical testing. Allele origin: germline.

Ambry Genetics
Classification: Uncertain significance for Inborn genetic diseases. Last evaluated: 2025-08-20. Review status: criteria provided, single submitter. Criteria: Ambry Variant Classification Scheme 2023. Collection method: clinical testing. Allele origin: germline.

Fulgent Genetics
Classification: Uncertain significance for Hypokalemic periodic paralysis, type 1; Thyrotoxic periodic paralysis, susceptibility to, 1; Malignant hyperthermia, susceptibility to, 5; Congenital myopathy 18. Last evaluated: 2024-06-18. Review status: criteria provided, single submitter. Criteria: ACMG Guidelines, 2015. Collection method: clinical testing. Allele origin: germline.

Color Diagnostics, LLC DBA Color Health
Classification: Uncertain significance for Malignant hyperthermia, susceptibility to, 5. Last evaluated: 2023-11-15. Review status: criteria provided, single submitter. Criteria: ACMG Guidelines, 2015. Collection method: clinical testing. Allele origin: germline.
Comment: This missense variant replaces isoleucine with threonine at codon 1195 of the CACNA1S protein. Computational prediction is inconclusive regarding the impact of this variant on protein structure and function. To our knowledge, functional studies have not been reported for this variant. This variant has not been reported in individuals affected with CACNA1S-related disorders in the literature. This variant has been identified in 5/282878 chromosomes in the general population by the Genome Aggregation Database (gnomAD). The available evidence is insufficient to determine the role of this variant in disease conclusively. Therefore, this variant is classified as a Variant of Uncertain Significance.

Revvity Omics, Revvity
Classification: Uncertain significance. Last evaluated: 2022-06-22. Review status: criteria provided, single submitter. Criteria: ACMG Guidelines, 2015. Collection method: clinical testing. Allele origin: germline.

NM_000069.3(CACNA1S):c.3584T>C (p.Ile1195Thr)

Gene: CACNA1S (calcium voltage-gated channel subunit alpha1 S; minus strand). Cytogenetic location: 1q32.1.
Variant type: single nucleotide variant.
Coding change: c.3584T>C on transcript NM_000069.3 (MANE Select); coding-DNA position 3584, T replaced by C.
Protein change: p.Ile1195Thr; replaces isoleucine 1195 with threonine.
Molecular consequence: missense variant.
Genome position (GRCh38, 1-based): chr1:201,058,433, A>G on the plus strand (T>C on the coding strand, the complement: CACNA1S is on the minus strand). VCF-style: chr1-201058433-A-G. GRCh37 (hg19) VCF-style: chr1-201027561-A-G.
Other names: short protein forms I1195T.
Identifiers: ClinVar variation 473988 (VCV000473988.17), dbSNP rs200366112, ClinGen allele CA082633.